The following is an entry in ClinVar:

NM_001696.4(ATP6V1E1):c.592A>T (p.Ser198Cys)

Gene: ATP6V1E1 (ATPase H+ transporting V1 subunit E1; minus strand). Cytogenetic location: 22q11.21.
Variant type: single nucleotide variant.
Coding change: c.592A>T on transcript NM_001696.4 (MANE Select); coding-DNA position 592, A replaced by T.
Protein change: p.Ser198Cys; replaces serine 198 with cysteine.
Molecular consequence: missense variant.
Genome position (GRCh38, 1-based): chr22:17,594,555, T>A on the plus strand (A>T on the coding strand, the complement: ATP6V1E1 is on the minus strand). VCF-style: chr22-17594555-T-A. GRCh37 (hg19) VCF-style: chr22-18077321-T-A.
Other names: c.526A>T, p.Ser176Cys (NM_001039366.1); c.502A>T, p.Ser168Cys (NM_001039367.1); c.592A>T (NM_001696.3); short protein forms S168C, S176C, S198C.
Identifiers: ClinVar variation 1915828 (VCV001915828.3), dbSNP rs1342192072, ClinGen allele CA410236950.

ClinVar aggregate classification (germline): Uncertain significance. Review status: criteria provided, multiple submitters, no conflicts (2 of 4 stars). 2 submissions from 2 submitters: Uncertain significance (2). Last evaluated 2023-08-15.

Allele frequency attached by ClinVar (database versions not stated): gnomAD 0.00001; gnomAD exomes 0.00001; TOPMed 0.00001.
gnomAD v4.1: 15 of 1,595,052 alleles (0.00094%); highest among the groups gnomAD compares: African/African-American, 0.0013%; no homozygotes.

Submissions (2):

GeneDx
Classification: Uncertain significance. Last evaluated: 2023-08-15. Review status: criteria provided, single submitter. Criteria: GeneDx Variant Classification Process June 2021. Collection method: clinical testing. Allele origin: germline. Affected: yes.
Comment: Has not been previously published as pathogenic or benign to our knowledge; Not observed at significant frequency in large population cohorts (gnomAD); In silico analysis supports that this missense variant has a deleterious effect on protein structure/function

Labcorp Genetics (formerly Invitae), Labcorp
Classification: Uncertain significance. Last evaluated: 2022-03-26. Review status: criteria provided, single submitter. Criteria: Invitae Variant Classification Sherloc (09022015). Collection method: clinical testing. Allele origin: germline.
Comment: This sequence change replaces serine, which is neutral and polar, with cysteine, which is neutral and slightly polar, at codon 198 of the ATP6V1E1 protein (p.Ser198Cys). This variant is present in population databases (no rsID available, gnomAD 0.01%). This variant has not been reported in the literature in individuals affected with ATP6V1E1-related conditions. Algorithms developed to predict the effect of missense changes on protein structure and function are either unavailable or do not agree on the potential impact of this missense change (SIFT: "Deleterious"; PolyPhen-2: "Probably Damaging"; Align-GVGD: "Class C15"). In summary, the available evidence is currently insufficient to determine the role of this variant in disease. Therefore, it has been classified as a Variant of Uncertain Significance.